The following is an entry in ClinVar:

ClinVar aggregate classification (germline): Uncertain significance (1 of 4 stars; one submission).

Allele frequency attached by ClinVar (database versions not stated): ExAC 0.00001.

Submission:

Labcorp Genetics (formerly Invitae), Labcorp
Classification: Uncertain significance. Last evaluated: 2024-02-23. Review status: criteria provided, single submitter. Criteria: Invitae Variant Classification Sherloc (09022015). Collection method: clinical testing. Allele origin: germline.
Comment: This sequence change replaces aspartic acid, which is acidic and polar, with asparagine, which is neutral and polar, at codon 815 of the ALPK3 protein (p.Asp815Asn). This variant is not present in population databases (gnomAD no frequency). This variant has not been reported in the literature in individuals affected with ALPK3-related conditions. ClinVar contains an entry for this variant (Variation ID: 1387552). Advanced modeling of protein sequence and biophysical properties (such as structural, functional, and spatial information, amino acid conservation, physicochemical variation, residue mobility, and thermodynamic stability) performed at Invitae indicates that this missense variant is not expected to disrupt ALPK3 protein function with a negative predictive value of 80%. In summary, the available evidence is currently insufficient to determine the role of this variant in disease. Therefore, it has been classified as a Variant of Uncertain Significance.

NM_020778.5(ALPK3):c.1837G>A (p.Asp613Asn)

Gene: ALPK3 (alpha kinase 3; plus strand). Cytogenetic location: 15q25.3.
Variant type: single nucleotide variant.
Coding change: c.1837G>A on transcript NM_020778.5 (MANE Select); coding-DNA position 1837, G replaced by A.
Protein change: p.Asp613Asn; replaces aspartic acid 613 with asparagine.
Molecular consequence: missense variant.
Genome position (GRCh38, 1-based): chr15:84,856,575, G>A. VCF-style: chr15-84856575-G-A. GRCh37 (hg19) VCF-style: chr15-85399806-G-A.
Other names: short protein forms D613N.
Identifiers: ClinVar variation 1387552 (VCV001387552.6), dbSNP rs766592149, ClinGen allele CA7709302.
Genomic context (GRCh38, chr15:84,856,575, plus strand): 5'-CAGGAGGATGGGAGAACATCTGCTAACCAGAGAACTGGAAGCAAGAAGAATGTGCAGGCA[G>A]ATGGGAAGATACAAGTGGATGGAAGGACCAGGGGAGATGGAACACAGACAGCCCAGAGGA-3'
Protein context (NP_065829.4, residues 603-623): RTGSKKNVQA[Asp613Asn]GKIQVDGRTR